The following is an entry in ClinVar:

ClinVar aggregate classification (germline): Pathogenic (1 of 4 stars; one submission).

Conditions:
Joubert syndrome. Also called: CEREBELLOPARENCHYMAL DISORDER IV; JOUBERT-BOLTSHAUSER SYNDROME; Familial aplasia of the vermis. Identifiers: Orphanet 475, MedGen C5979921, MONDO:0018772.
Nephronophthisis. Also called: Juvenile Nephronophthisis. Identifiers: Orphanet 655, MedGen C0687120, MONDO:0019005, HP:0000090.
Meckel-Gruber syndrome. Also called: DYSENCEPHALIA SPLANCHNOCYSTICA; GRUBER SYNDROME; Dysencephalia splachnocystica. Identifiers: Orphanet 564, MedGen C0265215, MONDO:0018921.

Submission:

Labcorp Genetics (formerly Invitae), Labcorp
Classification: Pathogenic for Joubert syndrome; Meckel-Gruber syndrome; Nephronophthisis. Last evaluated: 2022-12-31. Review status: criteria provided, single submitter. Criteria: Invitae Variant Classification Sherloc (09022015). Collection method: clinical testing. Allele origin: germline.
Comment: This sequence change creates a premature translational stop signal (p.Glu141Argfs*22) in the CEP290 gene. It is expected to result in an absent or disrupted protein product. Loss-of-function variants in CEP290 are known to be pathogenic (PMID: 16909394, 17345604, 20690115). This variant is not present in population databases (gnomAD no frequency). This variant has not been reported in the literature in individuals affected with CEP290-related conditions. For these reasons, this variant has been classified as Pathogenic.

Literature cited by the submitters: PubMed 16909394; PubMed 17345604; PubMed 20690115.

NM_025114.4(CEP290):c.420del (p.Glu141fs)

Gene: CEP290 (centrosomal protein 290; minus strand). Cytogenetic location: 12q21.32.
Variant type: Deletion.
Coding change: c.420del on transcript NM_025114.4 (MANE Select); coding-DNA position 420, one base deleted (A; older notation c.420delA).
Protein change: p.Glu141fs; shifts the reading frame from glutamic acid 141.
Molecular consequence: frameshift variant.
Genome position (GRCh38, 1-based): chr12:88,136,664, T deleted on the plus strand (A on the coding strand, the reverse complement: CEP290 is on the minus strand); the first of 3 consecutive T bases (chr12:88,136,664-88,136,666); deleting any one gives the same sequence. VCF-style (leftmost placement, unchanged base first): chr12-88136663-CT-C. GRCh37 (hg19) VCF-style: chr12-88530440-CT-C.
Other names: short protein forms E141fs.
Identifiers: ClinVar variation 2942839 (VCV002942839.3), dbSNP rs868858346, ClinGen allele CA241165116.
Genomic context (GRCh38, chr12:88,136,663, plus strand): 5'-CTTGAACAGTGAAGATTCATGGAAAAAAAAAGTGCTTTACTTGCTCATTAACTTTCTTCT[CT>C]TTCTCCAACTCCTTTTCCATGTCCTCCAATTCTCTATCTTTTTGTTCTAATTGTTTTTCA-3'